The following is an entry in ClinVar:

NM_000376.3(VDR):c.527C>T (p.Pro176Leu)

Gene: VDR (vitamin D receptor; minus strand). Cytogenetic location: 12q13.11.
Variant type: single nucleotide variant.
Coding change: c.527C>T on transcript NM_000376.3 (MANE Select); coding-DNA position 527, C replaced by T.
Protein change: p.Pro176Leu; replaces proline 176 with leucine.
Molecular consequence: missense variant.
Genome position (GRCh38, 1-based): chr12:47,857,185, G>A on the plus strand (C>T on the coding strand, the complement: VDR is on the minus strand). VCF-style: chr12-47857185-G-A. GRCh37 (hg19) VCF-style: chr12-48250968-G-A.
Other names: c.527C>T (NM_001017535.1); c.527C>T, p.Pro176Leu (NM_001017535.2, NM_001364085.2, NM_001374661.1 and 1 more transcripts); c.677C>T, p.Pro226Leu (NM_001017536.2); short protein forms P176L, P226L.
Identifiers: ClinVar variation 1971286 (VCV001971286.6), dbSNP rs749140677, ClinGen allele CA6533921.

ClinVar aggregate classification (germline): Uncertain significance. Review status: criteria provided, multiple submitters, no conflicts (2 of 4 stars). 2 submissions from 2 submitters: Uncertain significance (2). Last evaluated 2024-02-03.

Conditions:
Vitamin D-dependent rickets type II with alopecia (VDDR2A). Also called: VITAMIN D-DEPENDENT RICKETS, TYPE 2A, WITH OR WITHOUT ALOPECIA; VITAMIN D-RESISTANT RICKETS WITH END-ORGAN UNRESPONSIVENESS TO 1,25-DIHYDROXYCHOLECALCIFEROL; GENERALIZED RESISTANCE TO 1,25-DIHYDROXYVITAMIN D; HYPOCALCEMIC VITAMIN D-RESISTANT RICKETS; PDDR IIA; PSEUDOVITAMIN D-DEFICIENCY, TYPE IIA. Identifiers: Orphanet 93160, MedGen C0342646, MONDO:0010186, OMIM 277440.

Allele frequency attached by ClinVar (database versions not stated): ExAC 0.00002.
gnomAD v4.1: 2 of 1,614,174 alleles (0.00012%); highest among the groups gnomAD compares: Admixed American, 0.0033%; no homozygotes.

Submissions (2):

Fulgent Genetics
Classification: Uncertain significance for Vitamin D-dependent rickets type II with alopecia. Last evaluated: 2024-02-03. Review status: criteria provided, single submitter. Criteria: ACMG Guidelines, 2015. Collection method: clinical testing. Allele origin: germline.

Labcorp Genetics (formerly Invitae), Labcorp
Classification: Uncertain significance. Last evaluated: 2022-03-07. Review status: criteria provided, single submitter. Criteria: Invitae Variant Classification Sherloc (09022015). Collection method: clinical testing. Allele origin: germline.
Comment: In summary, the available evidence is currently insufficient to determine the role of this variant in disease. Therefore, it has been classified as a Variant of Uncertain Significance. Algorithms developed to predict the effect of missense changes on protein structure and function output the following: SIFT: "Tolerated"; PolyPhen-2: "Benign"; Align-GVGD: "Class C0". The leucine amino acid residue is found in multiple mammalian species, which suggests that this missense change does not adversely affect protein function. This variant has not been reported in the literature in individuals affected with VDR-related conditions. This variant is present in population databases (rs749140677, gnomAD 0.006%). This sequence change replaces proline, which is neutral and non-polar, with leucine, which is neutral and non-polar, at codon 176 of the VDR protein (p.Pro176Leu).